The following is an entry in ClinVar:

NM_007294.4(BRCA1):c.5470A>G (p.Ile1824Val)

Gene: BRCA1 (BRCA1 DNA repair associated; minus strand). Cytogenetic location: 17q21.31.
Variant type: single nucleotide variant.
Coding change: c.5470A>G on transcript NM_007294.4 (MANE Select); coding-DNA position 5470, A replaced by G.
Protein change: p.Ile1824Val; replaces isoleucine 1824 with valine.
Molecular consequence: missense variant. On other transcripts: non-coding transcript variant (1).
Genome position (GRCh38, 1-based): chr17:43,045,800, T>C on the plus strand (A>G on the coding strand, the complement: BRCA1 is on the minus strand). VCF-style: chr17-43045800-T-C. GRCh37 (hg19) VCF-style: chr17-41197817-T-C.
Other names: c.5257A>G, p.Ile1753Val (NM_001407571.1, NM_001407900.1, NM_001407902.1 and 12 more transcripts); c.5536A>G, p.Ile1846Val (NM_001407581.1, NM_001407582.1); c.5533A>G, p.Ile1845Val (NM_001407583.1, NM_001407585.1, NM_001407587.1 and 1 more transcripts); c.5530A>G, p.Ile1844Val (NM_001407590.1, NM_001407591.1); c.5470A>G, p.Ile1824Val (NM_001407593.1, NM_001407594.1, NM_001407596.1 and 5 more transcripts); c.5467A>G, p.Ile1823Val (NM_001407610.1, NM_001407611.1, NM_001407612.1 and 14 more transcripts); c.5464A>G, p.Ile1822Val (NM_001407629.1, NM_001407630.1, NM_001407631.1 and 13 more transcripts); c.5410A>G, p.Ile1804Val (NM_001407649.1); and 83 more; short protein forms I1824V, I1777V, I720V, I1845V, N695S, I1527V, I1528V, I1655V.
Identifiers: ClinVar variation 141804 (VCV000141804.27), dbSNP rs587782026, ClinGen allele CA003629.

ClinVar aggregate classification (germline): Conflicting classifications of pathogenicity. Review status: criteria provided, conflicting classifications (1 of 4 stars). 7 submissions from 7 submitters: Uncertain significance (5); Likely benign (2). Last evaluated 2025-08-29.

Conditions:
Hereditary cancer-predisposing syndrome. Also called: Tumor predisposition; Hereditary neoplastic syndrome; Hereditary Cancer Syndrome; Neoplastic Syndromes, Hereditary. Identifiers: Orphanet 140162, MedGen C0027672, MeSH D009386, MONDO:0015356.
Familial cancer of breast. Also called: Hereditary breast cancer; hereditary breast carcinoma; BREAST CANCER, FAMILIAL. Identifiers: Orphanet 227535, MedGen C0346153, MONDO:0016419, OMIM 114480. Disease mechanism: loss of function.
Breast-ovarian cancer, familial, susceptibility to, 1 (BROVCA1). Also called: BRCA1 Hereditary Breast and Ovarian Cancer; OVARIAN CANCER, SUSCEPTIBILITY TO. Identifiers: Orphanet 145, MedGen C2676676, MONDO:0011450, OMIM 604370. Disease mechanism: loss of function.
Pancreatic cancer, susceptibility to, 4. Identifiers: Orphanet 1333, MedGen C3280442, MONDO:0013685, OMIM 614320.
Fanconi anemia, complementation group S (FANCS). Identifiers: MedGen C4554406, MONDO:0054748, OMIM 617883.
Hereditary breast ovarian cancer syndrome. Also called: Hereditary breast and/or ovarian cancer syndrome; Breast and ovarian cancer; Hereditary breast and ovarian cancer syndrome; Hereditary breast and ovarian cancer; Hereditary breast and ovarian cancer syndrome (HBOC); BRCA1- and BRCA2-Associated Hereditary Breast and Ovarian Cancer. Identifiers: Orphanet 145, MedGen C0677776, MeSH D061325, MONDO:0003582. Disease mechanism: loss of function.

Allele frequency attached by ClinVar (database versions not stated): gnomAD exomes below 0.00001.
gnomAD v4.1: 2 of 1,614,120 alleles (0.00012%); highest among the groups gnomAD compares: Admixed American, 0.0033%; no homozygotes.

Submissions (8):

GeneDx
Classification: Uncertain significance. Last evaluated: 2025-08-29. Review status: criteria provided, single submitter. Criteria: GeneDx Variant Classification Process June 2021. Collection method: clinical testing. Allele origin: germline. Affected: yes.
Comment: Not observed at significant frequency in large population cohorts (gnomAD); In silico analysis suggests that this missense variant does not alter protein structure/function; In silico analysis supports a deleterious effect on splicing; Also known as 5589A>G; This variant is associated with the following publications: (PMID: 25348405, 30209399)

Labcorp Genetics (formerly Invitae), Labcorp
Classification: Uncertain significance for Hereditary breast ovarian cancer syndrome. Last evaluated: 2025-06-09. Review status: criteria provided, single submitter. Criteria: Invitae Variant Classification Sherloc (09022015). Collection method: clinical testing. Allele origin: germline.
Comment: This sequence change replaces isoleucine, which is neutral and non-polar, with valine, which is neutral and non-polar, at codon 1824 of the BRCA1 protein (p.Ile1824Val). This variant is not present in population databases (gnomAD no frequency). This variant has not been reported in the literature in individuals affected with BRCA1-related conditions. ClinVar contains an entry for this variant (Variation ID: 141804). An algorithm developed to predict the effect of missense changes on protein structure and function (PolyPhen-2) suggests that this variant is likely to be tolerated. Experimental studies have shown that this missense change does not substantially affect BRCA1 function (PMID: 30209399). Algorithms developed to predict the effect of sequence changes on RNA splicing suggest that this variant may create or strengthen a splice site. In summary, the available evidence is currently insufficient to determine the role of this variant in disease. Therefore, it has been classified as a Variant of Uncertain Significance.

Color Diagnostics, LLC DBA Color Health
Classification: Uncertain significance for Hereditary cancer-predisposing syndrome. Last evaluated: 2025-03-04. Review status: criteria provided, single submitter. Criteria: ACMG Guidelines, 2015. Collection method: clinical testing. Allele origin: germline.
Comment: This missense variant replaces isoleucine with valine at codon 1824 of the BRCA1 protein. Computational prediction is inconclusive regarding the impact of this variant on protein structure and function. A functional study has reported that this variant protein is functional in a human haploid cell line-based proliferation assay (PMID: 30209399). To our knowledge, this variant has not been reported in individuals affected with hereditary cancer in the literature. This variant has not been identified in the general population by the Genome Aggregation Database (gnomAD). The available evidence is insufficient to determine the role of this variant in disease conclusively. Therefore, this variant is classified as a Variant of Uncertain Significance.

Lupski Lab, Baylor-Hopkins CMG, Baylor College of Medicine
Classification: Likely benign for Breast-ovarian cancer, familial, susceptibility to, 1. Last evaluated: 2024-04-12. Review status: criteria provided, single submitter. Criteria: Dawood et al. (medRxiv. 2024). Collection method: curation. Allele origin: germline.
Comment: Each variant was annotated with functional scores from MAVE data which was translated into functional evidence codes. All other evidence codes and combining criteria were adhered to as closely as possible based on the ClinGen VCEP (Variant Curation Expert Panel) gene-specific recommendations. See Supplemental Figure 34 of final paper (Supp Fig. 28 in preprint: doi:10.1101/2024.04.11.24305690) for a table to see which lines of evidence we did not have data for. The ClinGen VCEPs are highly regarded as the gold-standard for gene-specific variant curation and are developed after extensive evaluation of the evidence by clinical and scientific experts for the particular gene to classify genomic variants on a spectrum from pathogenic to benign using the 2015 ACMG/AMP Variant Interpretation Guidelines as a backbone (PMID: 25741868). Reclassification of these VUS variants from gnomAD or All of Us focused only on variants originally prescribed as VUS in ClinVar. To ensure reproducibility, transparency, and increased throughput, all the procedures for annotating variants and assigning evidence codes were codified using Python. All code has been made freely available and is linked in the Code Availability section and all reclassified variants with evidence codes used can be found in Tables S18-19 (preprint: doi:10.1101/2024.04.11.24305690). For the MAVE data, the clinical curation and clinical strength assignment as per the ClinGen recommendations in Brnich et al. (2020) (PMID: 31892348) for or against pathogenicity or benignity of each of these MAVE datasets utilized in this study were previously published in Fayer et al. (2021) (PMID: 34793697).In brief, for BRCA1 variants, if a variant was categorized as FUNC (functional), it was assigned BS3 evidence and no PS3 evidence, whereas if it was categorized as LOF (loss of function), the variant was assigned PS3 evidence and no BS3 evidence. Variants categorized as INT (intermediate) were left unannotated. For the BRCA1 combining criteria, greater than or equal to 1 criteria of strong benign evidence was enough to reclassify the VUS as Likely Benign. This variant GRCh38:17:43045800:T>C was assigned evidence codes ['BS3'] and an overall classification of Likely benign

Ambry Genetics
Classification: Likely benign for Hereditary cancer-predisposing syndrome. Last evaluated: 2023-04-13. Review status: criteria provided, single submitter. Criteria: Ambry Variant Classification Scheme 2023. Collection method: clinical testing. Allele origin: germline.

Baylor Genetics
Classification: Uncertain significance for Breast-ovarian cancer, familial, susceptibility to, 1. Last evaluated: 2023-03-06. Review status: criteria provided, single submitter. Criteria: ACMG Guidelines, 2015. Collection method: clinical testing. Allele origin: unknown.

Fulgent Genetics
Classification: Uncertain significance for Familial cancer of breast; Breast-ovarian cancer, familial, susceptibility to, 1; Pancreatic cancer, susceptibility to, 4; Fanconi anemia, complementation group S. Last evaluated: 2018-10-31. Review status: criteria provided, single submitter. Criteria: ACMG Guidelines, 2015. Collection method: clinical testing. Allele origin: unknown.

Brotman Baty Institute, University of Washington
No classification provided (evidence only). Condition: Breast-ovarian cancer, familial 1. Review status: no classification provided. Collection method: in vitro. Allele origin: not applicable. Functional consequence: functionally_normal. Not counted in ClinVar's aggregate classification.
ClinVar note: "not provided" was previously submitted as the classification for the variant. However, the classification appeared to be based only on an observation of functional data so it was converted to no classification on 2025-07-30.

Literature cited by the submitters: PubMed 30209399 (cited by 3 submitters); PubMed 39142283 (cited by Lupski Lab, Baylor-Hopkins CMG, Baylor College of Medicine); PubMed 34793697 (cited by Lupski Lab, Baylor-Hopkins CMG, Baylor College of Medicine); DOI 10.1101/2024.04.11.24305690 (cited by Lupski Lab, Baylor-Hopkins CMG, Baylor College of Medicine).